The following is an entry in ClinVar:

ClinVar aggregate classification (germline): Uncertain significance. Review status: criteria provided, multiple submitters, no conflicts (2 of 4 stars). 2 submissions from 2 submitters: Uncertain significance (2). Last evaluated 2025-08-11.

Conditions:
Inborn genetic diseases. Identifiers: MedGen C0950123, MeSH D030342.

Submissions (2):

Ambry Genetics
Classification: Uncertain significance for Inborn genetic diseases. Last evaluated: 2025-08-11. Review status: criteria provided, single submitter. Criteria: Ambry Variant Classification Scheme 2023. Collection method: clinical testing. Allele origin: germline.

Labcorp Genetics (formerly Invitae), Labcorp
Classification: Uncertain significance. Last evaluated: 2025-06-03. Review status: criteria provided, single submitter. Criteria: Invitae Variant Classification Sherloc (09022015). Collection method: clinical testing. Allele origin: germline.
Comment: This sequence change replaces methionine, which is neutral and non-polar, with leucine, which is neutral and non-polar, at codon 130 of the TWIST2 protein (p.Met130Leu). This variant is present in population databases (rs547204820, gnomAD 0.02%). This variant has not been reported in the literature in individuals affected with TWIST2-related conditions. ClinVar contains an entry for this variant (Variation ID: 3671910). An algorithm developed to predict the effect of missense changes on protein structure and function (PolyPhen-2) suggests that this variant is likely to be tolerated. In summary, the available evidence is currently insufficient to determine the role of this variant in disease. Therefore, it has been classified as a Variant of Uncertain Significance.

NM_001271893.4(TWIST2):c.388A>T (p.Met130Leu)

Gene: TWIST2 (twist family bHLH transcription factor 2; plus strand). Cytogenetic location: 2q37.3.
Variant type: single nucleotide variant.
Coding change: c.388A>T on transcript NM_001271893.4 (MANE Select); coding-DNA position 388, A replaced by T.
Protein change: p.Met130Leu; replaces methionine 130 with leucine.
Molecular consequence: missense variant.
Genome position (GRCh38, 1-based): chr2:238,848,603, A>T. VCF-style: chr2-238848603-A-T. GRCh37 (hg19) VCF-style: chr2-239757244-A-T.
Other names: c.388A>T (NM_057179.2); c.388A>T, p.Met130Leu (NM_057179.3); short protein forms M130L.
Identifiers: ClinVar variation 3671910 (VCV003671910.3).